The following is an entry in ClinVar:

ClinVar aggregate classification (germline): Uncertain significance. Review status: criteria provided, multiple submitters, no conflicts (2 of 4 stars). 2 submissions from 2 submitters: Uncertain significance (2). Last evaluated 2025-10-18.

Conditions:
Inborn genetic diseases. Identifiers: MedGen C0950123, MeSH D030342.
Baller-Gerold syndrome (BGS). Also called: CRANIOSYNOSTOSIS WITH RADIAL DEFECTS. Identifiers: Orphanet 1225, MedGen C0265308, MONDO:0009039, OMIM 218600.

Allele frequency attached by ClinVar (database versions not stated): gnomAD 0.00001; gnomAD exomes 0.00001; TOPMed 0.00002.
gnomAD v4.1: 10 of 1,534,708 alleles (0.00065%); highest among the groups gnomAD compares: African/African-American, 0.0044%; no homozygotes.

Submissions (2):

Ambry Genetics
Classification: Uncertain significance for Inborn genetic diseases. Last evaluated: 2025-10-18. Review status: criteria provided, single submitter. Criteria: Ambry Variant Classification Scheme 2023. Collection method: clinical testing. Allele origin: germline.

Labcorp Genetics (formerly Invitae), Labcorp
Classification: Uncertain significance for Baller-Gerold syndrome. Last evaluated: 2023-11-17. Review status: criteria provided, single submitter. Criteria: Invitae Variant Classification Sherloc (09022015). Collection method: clinical testing. Allele origin: germline.
Comment: This sequence change replaces alanine, which is neutral and non-polar, with threonine, which is neutral and polar, at codon 687 of the RECQL4 protein (p.Ala687Thr). This variant is not present in population databases (gnomAD no frequency). This variant has not been reported in the literature in individuals affected with RECQL4-related conditions. ClinVar contains an entry for this variant (Variation ID: 1470998). Experimental studies and prediction algorithms are not available or were not evaluated, and the functional significance of this variant is currently unknown. In summary, the available evidence is currently insufficient to determine the role of this variant in disease. Therefore, it has been classified as a Variant of Uncertain Significance.

NM_004260.4(RECQL4):c.2059G>A (p.Ala687Thr)

Gene: RECQL4 (RecQ like helicase 4; minus strand). Cytogenetic location: 8q24.3.
Variant type: single nucleotide variant.
Coding change: c.2059G>A on transcript NM_004260.4 (MANE Select); coding-DNA position 2059, G replaced by A.
Protein change: p.Ala687Thr; replaces alanine 687 with threonine.
Molecular consequence: missense variant.
Genome position (GRCh38, 1-based): chr8:144,513,712, C>T on the plus strand (G>A on the coding strand, the complement: RECQL4 is on the minus strand). VCF-style: chr8-144513712-C-T. GRCh37 (hg19) VCF-style: chr8-145739096-C-T.
Other names: c.2059G>A (NM_004260.3); short protein forms A687T.
Identifiers: ClinVar variation 1470998 (VCV001470998.8), dbSNP rs1023524924, ClinGen allele CA187683873.
Genomic context (GRCh38, chr8:144,513,712, plus strand): 5'-AGTAAATGATAATGGAATCGAGGTTTTGAAAACGTTTGCCTTGCAGCAGCGTCAACAGTG[C>T]CTGATGAGGAGCGGTTGGCGTGGGCAGTGGGGAGTGAGGAGGGGTCGGCGTGTGCAGTGG-3'
Protein context (NP_004251.4, residues 677-697): SVSMDRDTDQ[Ala687Thr]LLTLLQGKRF